The following is an entry in ClinVar:

NM_001384474.1(LOXHD1):c.4714C>T (p.Arg1572Ter)

Gene: LOXHD1 (lipoxygenase homology PLAT domains 1; minus strand). Cytogenetic location: 18q21.1.
Variant type: single nucleotide variant.
Coding change: c.4714C>T on transcript NM_001384474.1 (MANE Select); coding-DNA position 4714, C replaced by T.
Protein change: p.Arg1572Ter; replaces arginine 1572 with a stop codon.
Molecular consequence: nonsense.
Genome position (GRCh38, 1-based): chr18:46,524,734, G>A on the plus strand (C>T on the coding strand, the complement: LOXHD1 is on the minus strand). VCF-style: chr18-46524734-G-A. GRCh37 (hg19) VCF-style: chr18-44104697-G-A.
Other names: c.1381C>T, p.Arg461Ter (NM_001145472.3); c.1093C>T, p.Arg365Ter (NM_001308013.2); c.4714C>T, p.Arg1572Ter (NM_144612.7); short protein forms R1572*, R461*, R365*.
Identifiers: ClinVar variation 30990 (VCV000030990.30), dbSNP rs75949023, ClinGen allele CA259968.
Genomic context (GRCh38, chr18:46,524,734, plus strand): 5'-GATGGCCACAGGCCCTATATACCCCTTGGCTCACCTTCTCGTAAAAGAGCCTCTCGAGTC[G>A]CCCATCCTCCTTCTTCAGGGAGAGCCAGCGCCCGCATAGGAACAGGAACTCGTCCTCGTT-3'

ClinVar aggregate classification (germline): Pathogenic/Likely pathogenic. Review status: criteria provided, multiple submitters, no conflicts (2 of 4 stars). 14 submissions from 14 submitters: Pathogenic (10); Likely pathogenic (1). 3 of the submissions do not count toward it. Last evaluated 2025-12-06.

Conditions:
LOXHD1-related disorder. Also called: LOXHD1-related condition.
Deafness. Identifiers: MedGen C0011053.
Rare genetic deafness. Identifiers: Orphanet 96210, MedGen C5680250.
Autosomal recessive nonsyndromic hearing loss 77. Identifiers: Orphanet 90636, MedGen C2746083, MONDO:0013119, OMIM 613079.

Allele frequency attached by ClinVar (database versions not stated): TOPMed 0.00006.
gnomAD v4.1: 105 of 1,551,548 alleles (0.0068%); highest among the groups gnomAD compares: Non-Finnish European, 0.0028%; 1 homozygote.

Submissions (14):

Labcorp Genetics (formerly Invitae), Labcorp
Classification: Pathogenic. Last evaluated: 2025-12-06. Review status: criteria provided, single submitter. Criteria: Invitae Variant Classification Sherloc (09022015). Collection method: clinical testing. Allele origin: germline.
Comment: This sequence change creates a premature translational stop signal (p.Arg1572*) in the LOXHD1 gene. It is expected to result in an absent or disrupted protein product. Loss-of-function variants in LOXHD1 are known to be pathogenic (PMID: 19732867, 21465660, 25792669). This variant is present in population databases (rs75949023, gnomAD 0.3%). This premature translational stop signal has been observed in individual(s) with autosomal recessive hearing loss (PMID: 21465660). It has also been observed to segregate with disease in related individuals. ClinVar contains an entry for this variant (Variation ID: 30990). For these reasons, this variant has been classified as Pathogenic.

Natera, Inc.
Classification: Pathogenic for Autosomal recessive deafness type 77. Last evaluated: 2025-09-29. Review status: criteria provided, single submitter. Criteria: Natera Variant Classification Schema (03/2026). Collection method: clinical testing. Allele origin: germline.
Comment: The c.4714C>T variant in LOXHD1 is a nonsense variant predicted to introduce a stop codon at amino acid 1572. This variant is expected to result in nonsense mediated decay, truncation, or a dysfunctional protein product. This variant is rare in the general population with a frequency below the threshold expected for the associated phenotype(s). This variant has been observed in one or more individuals affected with the associated recessive disease, as either homozygous or compound heterozygous with a second variant (PMID: 33111345). Given the available evidence, this variant is classified as Pathogenic.

Dasa
Classification: Pathogenic. Last evaluated: 2025-04-22. Review status: criteria provided, single submitter. Criteria: DASA Assertion Criteria. Collection method: clinical testing. Allele origin: germline.
Comment: NM_001384474.1(LOXHD1):c.4714C>T (p.Arg1572*) introduces a premature termination codon predicted to result in loss of normal protein function. Loss-of-function is an established mechanism of disease for this gene. Segregation evidence has been reported in affected families. This variant has been recurrently observed in affected individuals with related phenotype in a genotype context consistent with recessive disease (PMID: 21465660; PMID: 25792669; PMID: 22341973). The variant is present at low frequency in population datasets. Based on the available data, this variant is classified as pathogenic.

Dubai Health Genomic Medicine Center, Dubai Health
Classification: Pathogenic for Deafness. Last evaluated: 2024-10-04. Review status: criteria provided, single submitter. Criteria: ACMG Guidelines, 2015. Collection method: research. Allele origin: germline. Affected: yes.
Comment: PVS1,PM3(strong),PM2

Fulgent Genetics
Classification: Pathogenic for Autosomal recessive nonsyndromic hearing loss 77. Last evaluated: 2024-05-16. Review status: criteria provided, single submitter. Criteria: ACMG Guidelines, 2015. Collection method: clinical testing. Allele origin: germline.

Blueprint Genetics
Classification: Pathogenic for LOXHD1-related disorders. Last evaluated: 2024-04-15. Review status: criteria provided, single submitter. Criteria: ACMG Guidelines, 2015. Collection method: clinical testing. Allele origin: germline. Affected: yes. Observed: 5 variant alleles.

GeneDx
Classification: Pathogenic. Last evaluated: 2024-04-05. Review status: criteria provided, single submitter. Criteria: GeneDx Variant Classification Process June 2021. Collection method: clinical testing. Allele origin: germline. Affected: yes.
Comment: Nonsense variant predicted to result in protein truncation or nonsense mediated decay in a gene for which loss of function is a known mechanism of disease; This variant is associated with the following publications: (PMID: 25792669, 25525159, 22341973, 26973026, 30096381, 29676012, 31547530, 25333069, 35875410, 31980526, 37240244, 30760222, 32149082, 35711932, 21465660)

Genetics and Genomic Medicine Centre, NeuroGen Healthcare, NeuroGen Healthcare
Classification: Pathogenic for Autosomal recessive nonsyndromic hearing loss 77. Last evaluated: 2021-12-11. Review status: criteria provided, single submitter. Criteria: Submitter's publication. Collection method: clinical testing. Allele origin: unknown. Affected: no.

Illumina Laboratory Services, Illumina
Classification: Likely pathogenic for Autosomal recessive nonsyndromic hearing loss 77. Last evaluated: 2018-10-22. Review status: criteria provided, single submitter. Criteria: ICSL Variant Classification Criteria 09 May 2019. Collection method: clinical testing. Allele origin: germline.
Comment: The LOXHD1 c.4714C>T (p.Arg1572Ter) variant is a stop-gained variant that is predicted to cause a premature truncation of the protein. In one of the families, the parents and three of the normal hearing siblings were found to be heterozygous for the variant, two unaffected siblings did not carry the variant, and five affected siblings were homozygous for the variant, suggesting that the variant segregated with disease in this family (Edvardson et al. 2011). In the second family, the four affected individuals were homozygous for the p.Arg1572Ter variant (Edvardson et al. 2011). The variant was reported in a heterozygous state in four out of 719 Ashkenazi Jewish controls and in one out of 44 healthy Ashkenazi Jewish centenarians (Edvardson et al. 2011; Freudenberg-Hua et al. 2014) and is reported at a frequency of 0.002922 in the Ashkenzi Jewish population of the Genome Aggregation Database. Due to the potential impact of stop-gained variants and the available evidence, the p.Arg1572Ter variant is classified as likely pathogenic for autosomal recessive non-syndromic hearing loss. This variant was observed by ICSL as part of a predisposition screen in an ostensibly healthy population.

Laboratory for Molecular Medicine, Mass General Brigham Personalized Medicine
Classification: Pathogenic for Rare genetic deafness. Last evaluated: 2014-07-15. Review status: criteria provided, single submitter. Criteria: LMM Criteria. Collection method: clinical testing. Allele origin: germline. Observed: 3 variant alleles.
Comment: The p.Arg1572X variant in LOXHD1 has been reported in 2 homozygous Ashkenazi Jew ish individuals with nonsyndromic hearing loss, and it was found to segregate wi th disease in 7 homozygous affected family members (Edvardson 2011). This varia nt has been identified in 6/8670 European chromosomes by the Exome Aggregation C onsortium (ExAC; dbSNP rs75949023). Although th is variant has been seen in the general population, its frequency is low enough to be consistent with a recessive carrier frequency. This nonsense variant leads to a premature termination codon at position 1572 which is predicted to lead to a truncated or absent protein. In summary, this variant meets our criteria to be classified as pathogenic based upon segregation studies and the predicted imp act to the protein.

Kariminejad - Najmabadi Pathology & Genetics Center
Classification: Pathogenic for Autosomal recessive nonsyndromic hearing loss 77. Review status: criteria provided, single submitter. Criteria: ACMG Guidelines, 2015. Collection method: clinical testing. Allele origin: germline. Affected: no.

PreventionGenetics, part of Exact Sciences
Classification: Likely pathogenic for LOXHD1-related condition. Last evaluated: 2024-09-01. Review status: no assertion criteria provided. Collection method: clinical testing. Allele origin: germline. Not counted in ClinVar's aggregate classification.
Comment: The LOXHD1 c.4714C>T variant is predicted to result in premature protein termination (p.Arg1572*). This variant has been reported in the homozygous or compound heterozygous state in multiple individuals with autosomal recessive non-syndromic hearing loss and has been noted to segregate with the disorder in families (Edvardson et al. 2011. PubMed ID: 21465660; Wang et al. 2022. PubMed ID: 35711932). Nonsense variants in LOXHD1 are expected to be pathogenic. This variant is reported in 0.28% of alleles in individuals of Ashkenazi Jewish descent and 0.0066% of alleles in individuals of non-Finnish European descent in gnomAD; in at least one study, this variant was suggested to be a founder variant in the Ashkenazi Jewish population (Edvardson et al. 2011. PubMed ID: 21465660). This variant is interpreted as likely pathogenic.

Laboratory of Prof. Karen Avraham, Tel Aviv University
Classification: Pathogenic for Autosomal recessive nonsyndromic hearing loss 77. Last evaluated: 2018-05-07. Review status: no assertion criteria provided. Collection method: research. Allele origin: germline. Affected: yes. Not counted in ClinVar's aggregate classification.
Comment: Recessive, congenital, severe-profound NSHL

OMIM
Classification: Pathogenic for DEAFNESS, AUTOSOMAL RECESSIVE 77. Last evaluated: 2011-05-01. Review status: no assertion criteria provided. Collection method: literature only. Allele origin: germline. Not counted in ClinVar's aggregate classification.

Literature cited by the submitters: PubMed 19732867 (cited by Labcorp Genetics (formerly Invitae), Labcorp); PubMed 21465660 (cited by 6 submitters); PubMed 25792669 (cited by Labcorp Genetics (formerly Invitae), Labcorp and Dasa); PubMed 33111345 (cited by Natera, Inc.); PubMed 22341973 (cited by Dasa); PubMed 25333069 (cited by Illumina Laboratory Services, Illumina); PubMed 23897863 (cited by Illumina Laboratory Services, Illumina).